The following is an entry in ClinVar:

ClinVar aggregate classification (germline): Uncertain significance (1 of 4 stars; one submission).

Conditions:
Progressive myoclonic epilepsy type 8. Identifiers: Orphanet 424027, MedGen C5190825, MONDO:0014545, OMIM 616230.

Submission:

Labcorp Genetics (formerly Invitae), Labcorp
Classification: Uncertain significance for Progressive myoclonic epilepsy type 8. Last evaluated: 2021-02-18. Review status: criteria provided, single submitter. Criteria: Invitae Variant Classification Sherloc (09022015). Collection method: clinical testing. Allele origin: germline.
Comment: This variant is not present in population databases (ExAC no frequency) and has not been reported in the literature in individuals with a CERS1-related disease. This sequence change replaces serine with phenylalanine at codon 133 of the CERS1 protein (p.Ser133Phe). The serine residue is highly conserved and there is a large physicochemical difference between serine and phenylalanine. In summary, this variant is a novel missense change with uncertain impact on protein function. It has been classified as a Variant of Uncertain Significance. Algorithms developed to predict the effect of missense changes on protein structure and function do not agree on the potential impact of this missense change (SIFT: "Deleterious"; PolyPhen-2: "Probably Damaging"; Align-GVGD: "Class C15").

NM_021267.5(CERS1):c.398C>T (p.Ser133Phe)

Genes: CERS1 (ceramide synthase 1; minus strand), GDF1 (growth differentiation factor 1; minus strand). Cytogenetic location: 19p13.11.
Variant type: single nucleotide variant.
Coding change: c.398C>T on transcript NM_021267.5 (MANE Select); coding-DNA position 398, C replaced by T.
Protein change: p.Ser133Phe; replaces serine 133 with phenylalanine.
Molecular consequence: missense variant. On other transcripts: 5 prime UTR variant (2).
Genome position (GRCh38, 1-based): chr19:18,893,427, G>A on the plus strand (C>T on the coding strand, the complement: CERS1 is on the minus strand). VCF-style: chr19-18893427-G-A. GRCh37 (hg19) VCF-style: chr19-19004236-G-A.
Other names: c.104C>T, p.Ser35Phe (NM_001290265.2, NM_001387442.1, NM_001387443.1 and 2 more transcripts); c.398C>T, p.Ser133Phe (NM_001387439.1, NM_001387440.1, NM_001387441.1 and 1 more transcripts); c.-505C>T (NM_001387438.1); c.-925C>T (NM_001492.6); short protein forms S133F, S35F.
Identifiers: ClinVar variation 475370 (VCV000475370.8), dbSNP rs1555707050, ClinGen allele CA404867866.
Genomic context (GRCh38, chr19:18,893,427, plus strand): 5'-CTTTGTGTTTTAAGCAGAGCCCTCCCGGCCATCCCCTCAGGGCCCCTACCGTAGAAGACA[G>A]ATGGTGGGTCATGGAAGAAGGGGTAGTCGGTGCCAAACAGCAGGTAGGCACTGTAGCTCC-3'
Protein context (NP_067090.1, residues 123-143): TDYPFFHDPP[Ser133Phe]VFYDWTPGMA